The following is an entry in ClinVar:

NM_015213.4(DENND5A):c.1412G>A (p.Arg471Gln)

Gene: DENND5A (DENN domain containing 5A; minus strand). Cytogenetic location: 11p15.4.
Variant type: single nucleotide variant.
Coding change: c.1412G>A on transcript NM_015213.4 (MANE Select); coding-DNA position 1412, G replaced by A.
Protein change: p.Arg471Gln; replaces arginine 471 with glutamine.
Molecular consequence: missense variant. On other transcripts: non-coding transcript variant (1).
Genome position (GRCh38, 1-based): chr11:9,180,810, C>T on the plus strand (G>A on the coding strand, the complement: DENND5A is on the minus strand). VCF-style: chr11-9180810-C-T. GRCh37 (hg19) VCF-style: chr11-9202357-C-T.
Other names: c.1412G>A, p.Arg471Gln (NM_001243254.2, NM_001348748.1); c.1340G>A, p.Arg447Gln (NM_001348749.2); c.1124G>A, p.Arg375Gln (NM_001348750.2); short protein forms R447Q, R375Q, R471Q.
Identifiers: ClinVar variation 2177036 (VCV002177036.2), dbSNP rs200439974, ClinGen allele CA5877610.

ClinVar aggregate classification (germline): Uncertain significance. Review status: criteria provided, multiple submitters, no conflicts (2 of 4 stars). 2 submissions from 2 submitters: Uncertain significance (2). Last evaluated 2023-09-08.

Allele frequency attached by ClinVar (database versions not stated): ExAC 0.00003; gnomAD 0.00006; TOPMed 0.00006; 1000 Genomes Project 30x 0.00016; 1000 Genomes Project 0.00020.
gnomAD v4.1: 162 of 1,614,160 alleles (0.01%); highest among the groups gnomAD compares: East Asian, 0.013%; no homozygotes.

Submissions (2):

Blueprint Genetics
Classification: Uncertain significance. Last evaluated: 2023-09-08. Review status: criteria provided, single submitter. Criteria: ACMG Guidelines, 2015. Collection method: clinical testing. Allele origin: germline.

Labcorp Genetics (formerly Invitae), Labcorp
Classification: Uncertain significance. Last evaluated: 2022-08-16. Review status: criteria provided, single submitter. Criteria: Invitae Variant Classification Sherloc (09022015). Collection method: clinical testing. Allele origin: germline.
Comment: This sequence change replaces arginine, which is basic and polar, with glutamine, which is neutral and polar, at codon 471 of the DENND5A protein (p.Arg471Gln). This variant is present in population databases (rs200439974, gnomAD 0.01%). This variant has not been reported in the literature in individuals affected with DENND5A-related conditions. Algorithms developed to predict the effect of missense changes on protein structure and function are either unavailable or do not agree on the potential impact of this missense change (SIFT: "Deleterious"; PolyPhen-2: "Possibly Damaging"; Align-GVGD: "Class C0"). In summary, the available evidence is currently insufficient to determine the role of this variant in disease. Therefore, it has been classified as a Variant of Uncertain Significance.